The following is an entry in ClinVar:

NM_007194.4(CHEK2):c.454C>G (p.Pro152Ala)

Gene: CHEK2 (checkpoint kinase 2; minus strand). Cytogenetic location: 22q12.1.
Variant type: single nucleotide variant.
Coding change: c.454C>G on transcript NM_007194.4 (MANE Select); coding-DNA position 454, C replaced by G.
Protein change: p.Pro152Ala; replaces proline 152 with alanine.
Molecular consequence: missense variant. On other transcripts: 5 prime UTR variant (2), intron variant (1).
Genome position (GRCh38, 1-based): chr22:28,725,115, G>C on the plus strand (C>G on the coding strand, the complement: CHEK2 is on the minus strand). VCF-style: chr22-28725115-G-C. GRCh37 (hg19) VCF-style: chr22-29121103-G-C.
Other names: c.583C>G, p.Pro195Ala (NM_001005735.3, NM_001438294.1); c.-324C>G (NM_001257387.3); c.-210C>G (NM_001437942.1); c.547C>G, p.Pro183Ala (NM_001438293.1, NM_001438295.1); c.454C>G, p.Pro152Ala (NM_145862.3); c.444+128C>G (NM_001349956.3); short protein forms P152A, P195A, P183A.
Identifiers: ClinVar variation 1998150 (VCV001998150.4), dbSNP rs2146061931, ClinGen allele CA411107733.

ClinVar aggregate classification (germline): Uncertain significance (1 of 4 stars; one submission).

Conditions:
Familial cancer of breast. Also called: hereditary breast carcinoma; Hereditary breast cancer; BREAST CANCER, FAMILIAL. Identifiers: Orphanet 227535, MedGen C0346153, MONDO:0016419, OMIM 114480. Disease mechanism: loss of function.

Submission:

Labcorp Genetics (formerly Invitae), Labcorp
Classification: Uncertain significance for Familial cancer of breast. Last evaluated: 2022-05-24. Review status: criteria provided, single submitter. Criteria: Invitae Variant Classification Sherloc (09022015). Collection method: clinical testing. Allele origin: germline.
Comment: This sequence change replaces proline, which is neutral and non-polar, with alanine, which is neutral and non-polar, at codon 152 of the CHEK2 protein (p.Pro152Ala). In summary, the available evidence is currently insufficient to determine the role of this variant in disease. Therefore, it has been classified as a Variant of Uncertain Significance. Algorithms developed to predict the effect of missense changes on protein structure and function are either unavailable or do not agree on the potential impact of this missense change (SIFT: "Tolerated"; PolyPhen-2: "Possibly Damaging"; Align-GVGD: "Class C0"). This variant has not been reported in the literature in individuals affected with CHEK2-related conditions. This variant is not present in population databases (gnomAD no frequency).